The following is an entry in ClinVar:

NM_144670.6(A2ML1):c.1363A>G (p.Ile455Val)

Gene: A2ML1 (alpha-2-macroglobulin like 1; plus strand). Cytogenetic location: 12p13.31.
Variant type: single nucleotide variant.
Coding change: c.1363A>G on transcript NM_144670.6 (MANE Select); coding-DNA position 1363, A replaced by G.
Protein change: p.Ile455Val; replaces isoleucine 455 with valine.
Molecular consequence: missense variant.
Genome position (GRCh38, 1-based): chr12:8,843,248, A>G. VCF-style: chr12-8843248-A-G. GRCh37 (hg19) VCF-style: chr12-8995844-A-G.
Other names: short protein forms I455V.
Identifiers: ClinVar variation 1770881 (VCV001770881.2), dbSNP rs2539225702, ClinGen allele CA383825068.

ClinVar aggregate classification (germline): Uncertain significance (1 of 4 stars; one submission).

Submission:

Ambry Genetics
Classification: Uncertain significance. Last evaluated: 2021-08-07. Review status: criteria provided, single submitter. Criteria: Ambry Variant Classification Scheme 2023. Collection method: clinical testing. Allele origin: germline.
Comment: The p.I455V variant (also known as c.1363A>G), located in coding exon 12 of the A2ML1 gene, results from an A to G substitution at nucleotide position 1363. The isoleucine at codon 455 is replaced by valine, an amino acid with highly similar properties. This amino acid position is conserved. In addition, this alteration is predicted to be tolerated by in silico analysis. Since supporting evidence is limited at this time, the clinical significance of this alteration remains unclear.